The following is an entry in ClinVar:

NM_183357.3(ADCY5):c.3012C>T (p.His1004=)

Gene: ADCY5 (adenylate cyclase 5; minus strand). Cytogenetic location: 3q21.1.
Variant type: single nucleotide variant.
Coding change: c.3012C>T on transcript NM_183357.3 (MANE Select); coding-DNA position 3012, C replaced by T.
Protein change: p.His1004=; no amino-acid change (histidine 1004 retained).
Molecular consequence: synonymous variant.
Genome position (GRCh38, 1-based): chr3:123,296,135, G>A on the plus strand (C>T on the coding strand, the complement: ADCY5 is on the minus strand). VCF-style: chr3-123296135-G-A. GRCh37 (hg19) VCF-style: chr3-123014982-G-A.
Other names: c.1962C>T, p.His654= (NM_001199642.1); c.3087C>T, p.His1029= (NM_001378259.1).
Identifiers: ClinVar variation 703250 (VCV000703250.41), dbSNP rs142086014, ClinGen allele CA2576879.
Genomic context (GRCh38, chr3:123,296,135, plus strand): 5'-GCCACCCACCTGCAGTTTCCAGAGGAAGTCGAGGCGGGCAGTGGACTCCACCTGCTGGGC[G>A]TGCAGGTACAGGGCCAGCACAAAGACTGAGATGATGATGGGCGTCACCACCTTCAATGCC-3'
Protein context (NP_899200.1, residues 994-1014): ISVFVLALYL[His1004=]AQQVESTARL

ClinVar aggregate classification (germline): Benign/Likely benign. Review status: criteria provided, multiple submitters, no conflicts (2 of 4 stars). 6 submissions from 4 submitters: Benign (4); Likely benign (2). Last evaluated 2026-01-19.

Conditions:
Dyskinesia with orofacial involvement, autosomal recessive. Identifiers: MedGen C5562036, MONDO:0030625, OMIM 619647.
Neurodevelopmental disorder with hyperkinetic movements and dyskinesia. Identifiers: MedGen C5562038, MONDO:0859211, OMIM 619651.
Dyskinesia with orofacial involvement, autosomal dominant (DSKOD). Also called: Dyskinesia, familial, with facial myokymia; Familial Dyskinesia with Facial Myokymia (FDFM); Familial dyskinesia and facial myokymia. Identifiers: Orphanet 324588, MedGen C1847627, MONDO:0800028, OMIM 606703.

Allele frequency attached by ClinVar (database versions not stated): gnomAD exomes 0.00051 and 0.00083; ExAC 0.00100; ESP Exome Variant Server 0.00277; gnomAD 0.00281 and 0.00301; TOPMed 0.00312; 1000 Genomes Project 0.00339; 1000 Genomes Project 30x 0.00344.
gnomAD v4.1: 1,196 of 1,614,002 alleles (0.074%); highest among the groups gnomAD compares: African/African-American, 0.92%; 8 homozygotes.

Submissions (6):

Labcorp Genetics (formerly Invitae), Labcorp
Classification: Benign. Last evaluated: 2026-01-19. Review status: criteria provided, single submitter. Criteria: Invitae Variant Classification Sherloc (09022015). Collection method: clinical testing. Allele origin: germline.

CeGaT Center for Human Genetics Tuebingen
Classification: Likely benign. Last evaluated: 2022-07-01. Review status: criteria provided, single submitter. Criteria: CeGaT Center For Human Genetics Tuebingen Variant Classification Criteria Version 2. Collection method: clinical testing. Allele origin: germline. Affected: yes. Observed: 1 variant allele.
Comment: ADCY5: BP4, BP7

Genome-Nilou Lab
Classification: Benign for Dyskinesia with orofacial involvement, autosomal dominant. Last evaluated: 2021-12-05. Review status: criteria provided, single submitter. Criteria: ACMG Guidelines, 2015. Collection method: clinical testing. Allele origin: germline. Affected: no.

Genome-Nilou Lab
Classification: Benign for Dyskinesia with orofacial involvement, autosomal recessive. Last evaluated: 2021-12-05. Review status: criteria provided, single submitter. Criteria: ACMG Guidelines, 2015. Collection method: clinical testing. Allele origin: germline. Affected: no.

Genome-Nilou Lab
Classification: Benign for Neurodevelopmental disorder with hyperkinetic movements and dyskinesia. Last evaluated: 2021-12-05. Review status: criteria provided, single submitter. Criteria: ACMG Guidelines, 2015. Collection method: clinical testing. Allele origin: germline. Affected: no.

GeneDx
Classification: Likely benign. Last evaluated: 2020-12-15. Review status: criteria provided, single submitter. Criteria: GeneDx Variant Classification Process June 2021. Collection method: clinical testing. Allele origin: germline. Affected: yes.